The following is an entry in ClinVar:

NM_006766.5(KAT6A):c.1166G>A (p.Gly389Asp)

Gene: KAT6A (lysine acetyltransferase 6A; minus strand). Cytogenetic location: 8p11.21.
Variant type: single nucleotide variant.
Coding change: c.1166G>A on transcript NM_006766.5 (MANE Select); coding-DNA position 1166, G replaced by A.
Protein change: p.Gly389Asp; replaces glycine 389 with aspartic acid.
Molecular consequence: missense variant.
Genome position (GRCh38, 1-based): chr8:41,977,205, C>T on the plus strand (G>A on the coding strand, the complement: KAT6A is on the minus strand). VCF-style: chr8-41977205-C-T. GRCh37 (hg19) VCF-style: chr8-41834723-C-T.
Other names: c.1166G>A, p.Gly389Asp (NM_001305878.2); short protein forms G389D.
Identifiers: ClinVar variation 4622441 (VCV004622441.1).

ClinVar aggregate classification (germline): Uncertain significance (1 of 4 stars; one submission).

Conditions:
Inborn genetic diseases. Identifiers: MedGen C0950123, MeSH D030342.

Submission:

Ambry Genetics
Classification: Uncertain significance for Inborn genetic diseases. Last evaluated: 2025-10-21. Review status: criteria provided, single submitter. Criteria: Ambry Variant Classification Scheme 2023. Collection method: clinical testing. Allele origin: germline.
Comment: The c.1166G>A (p.G389D) alteration is located in exon 7 (coding exon 6) of the KAT6A gene. This alteration results from a G to A substitution at nucleotide position 1166, causing the glycine (G) at amino acid position 389 to be replaced by an aspartic acid (D). Based on data from gnomAD, the A allele has an overall frequency of <0.001% (1/251352) total alleles studied. The highest observed frequency was <0.001% (/) of alleles. Based on insufficient or conflicting evidence, the clinical significance of this alteration remains unclear.